The following is an entry in ClinVar:

ClinVar aggregate classification (germline): Uncertain significance. Review status: criteria provided, multiple submitters, no conflicts (2 of 4 stars). 4 submissions from 4 submitters: Uncertain significance (2). 2 of the submissions do not count toward it. Last evaluated 2022-09-01.

Conditions:
Methylmalonic aciduria due to complete methylmalonyl-CoA mutase deficiency.
MMUT-related disorder. Also called: MMUT-related condition.

Allele frequency attached by ClinVar (database versions not stated): gnomAD exomes 0.00005 and 0.00015; gnomAD 0.00052 and 0.00058; TOPMed 0.00059; ExAC 0.00017; 1000 Genomes Project 30x 0.00047; 1000 Genomes Project 0.00060; ESP Exome Variant Server 0.00092.

Submissions (4):

GeneDx
Classification: Uncertain significance. Last evaluated: 2022-09-01. Review status: criteria provided, single submitter. Criteria: GeneDx Variant Classification Process June 2021. Collection method: clinical testing. Allele origin: germline. Affected: yes.
Comment: In silico analysis supports that this missense variant has a deleterious effect on protein structure/function; Has not been previously published as pathogenic or benign to our knowledge; This variant is associated with the following publications: (PMID: 27527004)

Labcorp Genetics (formerly Invitae), Labcorp
Classification: Uncertain significance. Last evaluated: 2022-08-23. Review status: criteria provided, single submitter. Criteria: Invitae Variant Classification Sherloc (09022015). Collection method: clinical testing. Allele origin: germline.
Comment: This sequence change replaces tyrosine, which is neutral and polar, with cysteine, which is neutral and slightly polar, at codon 279 of the MUT protein (p.Tyr279Cys). This variant is present in population databases (rs2228282, gnomAD 0.2%). This variant has not been reported in the literature in individuals affected with MUT-related conditions. ClinVar contains an entry for this variant (Variation ID: 534565). Algorithms developed to predict the effect of missense changes on protein structure and function are either unavailable or do not agree on the potential impact of this missense change (SIFT: "Deleterious"; PolyPhen-2: "Probably Damaging"; Align-GVGD: "Class C0"). In summary, the available evidence is currently insufficient to determine the role of this variant in disease. Therefore, it has been classified as a Variant of Uncertain Significance.

PreventionGenetics, part of Exact Sciences
Classification: Likely benign for MMUT-related condition. Last evaluated: 2024-03-28. Review status: no assertion criteria provided. Collection method: clinical testing. Allele origin: germline. Not counted in ClinVar's aggregate classification.
Comment: This variant is classified as likely benign based on ACMG/AMP sequence variant interpretation guidelines (Richards et al. 2015 PMID: 25741868, with internal and published modifications).

Natera, Inc.
Classification: Uncertain significance for Methylmalonic aciduria due to complete methylmalonyl-CoA mutase deficiency. Last evaluated: 2019-11-11. Review status: no assertion criteria provided. Collection method: clinical testing. Allele origin: germline. Not counted in ClinVar's aggregate classification.

NM_000255.4(MMUT):c.836A>G (p.Tyr279Cys)

Gene: MMUT (methylmalonyl-CoA mutase; minus strand). Cytogenetic location: 6p12.3.
Variant type: single nucleotide variant.
Coding change: c.836A>G on transcript NM_000255.4 (MANE Select); coding-DNA position 836, A replaced by G.
Protein change: p.Tyr279Cys; replaces tyrosine 279 with cysteine.
Molecular consequence: missense variant.
Genome position (GRCh38, 1-based): chr6:49,456,155, T>C on the plus strand (A>G on the coding strand, the complement: MMUT is on the minus strand). VCF-style: chr6-49456155-T-C. GRCh37 (hg19) VCF-style: chr6-49423868-T-C.
Other names: short protein forms Y279C.
Identifiers: ClinVar variation 534565 (VCV000534565.9), dbSNP rs2228282, ClinGen allele CA3847026.